The following is an entry in ClinVar:

NM_001048174.2(MUTYH):c.335C>T (p.Thr112Ile)

Gene: MUTYH (mutY DNA glycosylase; minus strand). Cytogenetic location: 1p34.1.
Variant type: single nucleotide variant.
Coding change: c.335C>T on transcript NM_001048174.2 (MANE Select); coding-DNA position 335, C replaced by T.
Protein change: p.Thr112Ile; replaces threonine 112 with isoleucine.
Molecular consequence: missense variant. On other transcripts: non-coding transcript variant (6), intron variant (3).
Genome position (GRCh38, 1-based): chr1:45,333,140, G>A on the plus strand (C>T on the coding strand, the complement: MUTYH is on the minus strand). VCF-style: chr1-45333140-G-A. GRCh37 (hg19) VCF-style: chr1-45798812-G-A.
Other names: c.356C>T, p.Thr119Ile (NM_001407087.1); c.335C>T, p.Thr112Ile (NM_001407088.1, NM_001407089.1, NM_001048171.2 and 6 more transcripts); c.59C>T, p.Thr20Ile (NM_001407091.1, NM_001293192.2, NM_001293196.2); c.410C>T, p.Thr137Ile (NM_012222.3, NM_001407069.1); c.33+145C>T (NM_001350651.2, NM_001350650.2, NM_001407082.1); c.338C>T, p.Thr113Ile (NM_001048172.2, NM_001407071.1, NM_001407078.1 and 2 more transcripts); c.419C>T, p.Thr140Ile (NM_001128425.2); c.380C>T, p.Thr127Ile (NM_001293190.2); and 3 more; short protein forms T113I, T123I, T20I, T119I, T127I, T126I, T137I, T140I.
Identifiers: ClinVar variation 2567640 (VCV002567640.6), dbSNP rs2149165704, ClinGen allele CA340136152.
Genomic context (GRCh38, chr1:45,333,140, plus strand): 5'-TCCTCCCCTGGAGTCACCTGCATCCATCCGGTATAGTAGTTGATCACAGTGGCAACCTGG[G>A]TCTGCTGCAGCATGACCTCTGAGACCCACACTGGGGGAAAGGGGTTGGCATGAGGACACT-3'
Protein context (NP_001041639.1, residues 102-122): VWVSEVMLQQ[Thr112Ile]QVATVINYYT

ClinVar aggregate classification (germline): Conflicting classifications of pathogenicity. Review status: criteria provided, conflicting classifications (1 of 4 stars). 2 submissions from 2 submitters: Likely pathogenic (1); Uncertain significance (1). Last evaluated 2025-08-15.

Conditions:
Familial adenomatous polyposis 2. Also called: ADENOMAS, MULTIPLE COLORECTAL, AUTOSOMAL RECESSIVE; MUTYH-associated polyposis; COLORECTAL ADENOMATOUS POLYPOSIS, AUTOSOMAL RECESSIVE; MUTYH Polyposis; MYH-associated polyposis; Adenomas, multiple colorectal. Identifiers: Orphanet 220460, Orphanet 247798, MedGen C3272841, MONDO:0012041, OMIM 608456.
Hereditary cancer-predisposing syndrome. Also called: Neoplastic Syndromes, Hereditary; Hereditary Cancer Syndrome; Tumor predisposition; Hereditary neoplastic syndrome. Identifiers: Orphanet 140162, MedGen C0027672, MeSH D009386, MONDO:0015356.

Submissions (2):

Ambry Genetics
Classification: Likely pathogenic for Hereditary cancer-predisposing syndrome. Last evaluated: 2025-08-15. Review status: criteria provided, single submitter. Criteria: Ambry Variant Classification Scheme 2023. Collection method: clinical testing. Allele origin: germline.
Comment: The p.T140I variant (also known as c.419C>T), located in coding exon 5 of the MUTYH gene, results from a C to T substitution at nucleotide position 419. The threonine at codon 140 is replaced by isoleucine, an amino acid with similar properties. In a massively parallel cell-based functional assay testing 7,8-dihydro-8-oxoguanine:adenine (8OG:A) repair activity, a byproduct of oxidative damage, this variant was reported to be non-functional (Hemker SL et al. Am J Hum Genet. Published online July 29, 2025. DOI: 10.1016/j.ajhg.2025.07.005). This amino acid position is highly conserved in available vertebrate species. In addition, this alteration is predicted to be deleterious by in silico analysis. This variant is considered to be rare based on population cohorts in the Genome Aggregation Database (gnomAD). Based on the majority of available evidence to date, this variant is likely to be pathogenic.

Labcorp Genetics (formerly Invitae), Labcorp
Classification: Uncertain significance for Familial adenomatous polyposis 2. Last evaluated: 2023-02-26. Review status: criteria provided, single submitter. Criteria: Invitae Variant Classification Sherloc (09022015). Collection method: clinical testing. Allele origin: germline.
Comment: This variant has not been reported in the literature in individuals affected with MUTYH-related conditions. An algorithm developed to predict the effect of missense changes on protein structure and function (PolyPhen-2) suggests that this variant is likely to be disruptive. In summary, the available evidence is currently insufficient to determine the role of this variant in disease. Therefore, it has been classified as a Variant of Uncertain Significance. This sequence change replaces threonine, which is neutral and polar, with isoleucine, which is neutral and non-polar, at codon 140 of the MUTYH protein (p.Thr140Ile). This variant is not present in population databases (gnomAD no frequency).

Literature cited by the submitters: PubMed 40738107 (cited by Ambry Genetics).